The following is an entry in ClinVar:

ClinVar aggregate classification (germline): Uncertain significance (1 of 4 stars; one submission).

Conditions:
Cardiomyopathy (CMYO). Also called: Cardiomyopathies. Identifiers: Orphanet 167848, MedGen C0878544, MONDO:0004994, HP:0001638. Inheritance: Various modes of inheritance.

Submission:

Color Diagnostics, LLC DBA Color Health
Classification: Uncertain significance for Cardiomyopathy. Last evaluated: 2024-03-06. Review status: criteria provided, single submitter. Criteria: ACMG Guidelines, 2015. Collection method: clinical testing. Allele origin: germline.
Comment: This missense variant replaces threonine with proline at codon 262 of the TMEM43 protein. Computational prediction suggests that this variant may not impact protein structure and function (internally defined REVEL score threshold <= 0.5, PMID: 27666373). To our knowledge, functional studies have not been reported for this variant. This variant has not been reported in individuals affected with cardiovascular disorders in the literature. This variant has not been identified in the general population by the Genome Aggregation Database (gnomAD). The available evidence is insufficient to determine the role of this variant in disease conclusively. Therefore, this variant is classified as a Variant of Uncertain Significance.

NM_024334.3(TMEM43):c.784A>C (p.Thr262Pro)

Gene: TMEM43 (transmembrane protein 43; plus strand). Cytogenetic location: 3p25.1.
Variant type: single nucleotide variant.
Coding change: c.784A>C on transcript NM_024334.3 (MANE Select); coding-DNA position 784, A replaced by C.
Protein change: p.Thr262Pro; replaces threonine 262 with proline.
Molecular consequence: missense variant.
Genome position (GRCh38, 1-based): chr3:14,135,810, A>C. VCF-style: chr3-14135810-A-C. GRCh37 (hg19) VCF-style: chr3-14177310-A-C.
Other names: short protein forms T262P.
Identifiers: ClinVar variation 1172362 (VCV001172362.3), dbSNP rs2124991955, ClinGen allele CA351535864.